The following is an entry in ClinVar:

NM_006612.6(KIF1C):c.500G>A (p.Arg167Gln)

Gene: KIF1C (kinesin family member 1C; plus strand). Cytogenetic location: 17p13.2.
Variant type: single nucleotide variant.
Coding change: c.500G>A on transcript NM_006612.6 (MANE Select); coding-DNA position 500, G replaced by A.
Protein change: p.Arg167Gln; replaces arginine 167 with glutamine.
Molecular consequence: missense variant.
Genome position (GRCh38, 1-based): chr17:5,002,534, G>A. VCF-style: chr17-5002534-G-A. GRCh37 (hg19) VCF-style: chr17-4905829-G-A.
Other names: short protein forms R167Q.
Identifiers: ClinVar variation 645785 (VCV000645785.12), dbSNP rs199962814, ClinGen allele CA8318587.

ClinVar aggregate classification (germline): Conflicting classifications of pathogenicity. Review status: criteria provided, conflicting classifications (1 of 4 stars). 3 submissions from 3 submitters: Uncertain significance (2); Likely benign (1). Last evaluated 2025-10-27.

Conditions:
Spastic ataxia 2. Also called: Ataxia, spastic, 2, autosomal recessive. Identifiers: Orphanet 397946, MedGen C1969796, MONDO:0012651, OMIM 611302.
Inborn genetic diseases. Identifiers: MedGen C0950123, MeSH D030342.

Allele frequency attached by ClinVar (database versions not stated): ExAC 0.00006; gnomAD exomes 0.00006 and 0.00004; gnomAD 0.00008; ESP Exome Variant Server 0.00015; TOPMed 0.00003.
gnomAD v4.1: 72 of 1,613,784 alleles (0.0045%); highest among the groups gnomAD compares: South Asian, 0.021%; no homozygotes.

Submissions (3):

Labcorp Genetics (formerly Invitae), Labcorp
Classification: Likely benign for Spastic ataxia 2. Last evaluated: 2025-10-27. Review status: criteria provided, single submitter. Criteria: Invitae Variant Classification Sherloc (09022015). Collection method: clinical testing. Allele origin: germline.

Ambry Genetics
Classification: Uncertain significance for Inborn genetic diseases. Last evaluated: 2023-05-17. Review status: criteria provided, single submitter. Criteria: Ambry Variant Classification Scheme 2023. Collection method: clinical testing. Allele origin: germline.

GeneDx
Classification: Uncertain significance. Last evaluated: 2022-01-14. Review status: criteria provided, single submitter. Criteria: GeneDx Variant Classification Process June 2021. Collection method: clinical testing. Allele origin: germline. Affected: yes.
Comment: In silico analysis supports that this missense variant has a deleterious effect on protein structure/function; In silico analysis, which includes splice predictors and evolutionary conservation, suggests this variant may impact gene splicing. In the absence of RNA/functional studies, the actual effect of this sequence change is unknown.; Has not been previously published as pathogenic or benign to our knowledge